The following is an entry in ClinVar:

ClinVar aggregate classification (germline): Pathogenic. Review status: criteria provided, multiple submitters, no conflicts (2 of 4 stars). 3 submissions from 3 submitters: Pathogenic (3). Last evaluated 2024-01-23.

Conditions:
Exostoses, multiple, type 1 (EXT1). Also called: Hereditary Multiple Osteochondromatosis, Type I; EXOSTOSES, MULTIPLE, TYPE I. Identifiers: MedGen CN263289, MONDO:0007585, OMIM 133700.
Multiple congenital exostosis (EXT). Also called: Hereditary multiple osteochondromas; Multiple exostoses; Hereditary multiple exostoses; Hereditary multiple exostosis; Multiple osteochondromas; MULTIPLE CARTILAGINOUS EXOSTOSES. Identifiers: Orphanet 321, MedGen C0015306, MONDO:0005508, HP:0002762.
EXT1-related disorders.

Submissions (3):

Blueprint Genetics
Classification: Pathogenic for EXT1-related disorders. Last evaluated: 2024-01-23. Review status: criteria provided, single submitter. Criteria: ACMG Guidelines, 2015. Collection method: clinical testing. Allele origin: germline. Affected: yes. Observed: 1 variant allele.

Labcorp Genetics (formerly Invitae), Labcorp
Classification: Pathogenic for Multiple congenital exostosis. Last evaluated: 2023-12-22. Review status: criteria provided, single submitter. Criteria: Invitae Variant Classification Sherloc (09022015). Collection method: clinical testing. Allele origin: germline.
Comment: This sequence change replaces arginine, which is basic and polar, with glycine, which is neutral and non-polar, at codon 280 of the EXT1 protein (p.Arg280Gly). This variant is not present in population databases (gnomAD no frequency). This missense change has been observed in individual(s) with hereditary multiple osteochondromatosis (PMID: 9463333, 9521425, 30806661). ClinVar contains an entry for this variant (Variation ID: 526305). Advanced modeling of protein sequence and biophysical properties (such as structural, functional, and spatial information, amino acid conservation, physicochemical variation, residue mobility, and thermodynamic stability) performed at Invitae indicates that this missense variant is expected to disrupt EXT1 protein function with a positive predictive value of 80%. Experimental studies have shown that this missense change affects EXT1 function (PMID: 11391482). For these reasons, this variant has been classified as Pathogenic.

Department of Human Genetics, Hannover Medical School
Classification: Pathogenic for Exostoses, multiple, type 1. Last evaluated: 2023-05-05. Review status: criteria provided, single submitter. Criteria: ACMG Guidelines, 2015. Collection method: clinical testing. Allele origin: germline. Inheritance: Autosomal dominant inheritance. Affected: yes.

Literature cited by the submitters: PubMed 9463333 (cited by Labcorp Genetics (formerly Invitae), Labcorp); PubMed 9521425 (cited by Labcorp Genetics (formerly Invitae), Labcorp); PubMed 30806661 (cited by Labcorp Genetics (formerly Invitae), Labcorp); PubMed 11391482 (cited by Labcorp Genetics (formerly Invitae), Labcorp).

NM_000127.3(EXT1):c.838A>G (p.Arg280Gly)

Gene: EXT1 (exostosin glycosyltransferase 1; minus strand). Cytogenetic location: 8q24.11.
Variant type: single nucleotide variant.
Coding change: c.838A>G on transcript NM_000127.3 (MANE Select); coding-DNA position 838, A replaced by G.
Protein change: p.Arg280Gly; replaces arginine 280 with glycine.
Molecular consequence: missense variant.
Genome position (GRCh38, 1-based): chr8:118,110,209, T>C on the plus strand (A>G on the coding strand, the complement: EXT1 is on the minus strand). VCF-style: chr8-118110209-T-C. GRCh37 (hg19) VCF-style: chr8-119122448-T-C.
Other names: short protein forms R280G.
Identifiers: ClinVar variation 526305 (VCV000526305.10), dbSNP rs1554601483, ClinGen allele CA371914946.
Genomic context (GRCh38, chr8:118,110,209, plus strand): 5'-GCTTGCAGGTGGTGAGGAGCACAACGTCCTCCCCGTTATGGACGTGATATAAGGCATTCC[T>C]GGTGTCTGATCCTATCCCTGTCAGGTACCTCTTCCCCTTGAATACCAGCATGTACTTCCT-3'
Protein context (NP_000118.2, residues 270-290): RYLTGIGSDT[Arg280Gly]NALYHVHNGE